The following is an entry in ClinVar:

NM_001375405.1(CEP120):c.114G>A (p.Gln38=)

Gene: CEP120 (centrosomal protein 120; minus strand). Cytogenetic location: 5q23.2.
Variant type: single nucleotide variant.
Coding change: c.114G>A on transcript NM_001375405.1 (MANE Select); coding-DNA position 114, G replaced by A.
Protein change: p.Gln38=; no amino-acid change (glutamine 38 retained).
Molecular consequence: synonymous variant. On other transcripts: 5 prime UTR variant (2), non-coding transcript variant (1).
Genome position (GRCh38, 1-based): chr5:123,418,451, C>T on the plus strand (G>A on the coding strand, the complement: CEP120 is on the minus strand). VCF-style: chr5-123418451-C-T. GRCh37 (hg19) VCF-style: chr5-122754145-C-T.
Other names: c.36G>A, p.Gln12= (NM_001166226.2); c.114G>A, p.Gln38= (NM_001375406.1, NM_001375407.1, NM_153223.4); c.-635G>A (NM_001375408.1); c.-577G>A (NM_001375409.1).
Identifiers: ClinVar variation 3675071 (VCV003675071.6).
Genomic context (GRCh38, chr5:123,418,451, plus strand): 5'-CCAAGCTAACTCAGTAGCAAATTCTGGCTGGTCAGTGTGGTCCACAGGATCAGTAGCCAA[C>T]TGTTCTCCATCAAACTTTGCTTCCACTACAAGCATATGCTTTGGACGTTTGGGGAAATGC-3'
Protein context (NP_001362334.1, residues 28-48): LVVEAKFDGE[Gln38=]LATDPVDHTD

ClinVar aggregate classification (germline): Likely benign. Review status: criteria provided, multiple submitters, no conflicts (2 of 4 stars). 2 submissions from 2 submitters: Likely benign (2). Last evaluated 2026-02-01.

Conditions:
Short-rib thoracic dysplasia 13 with or without polydactyly (SRTD13). Identifiers: Orphanet 474, MedGen C4225378, MONDO:0014577, OMIM 616300.

gnomAD v4.1: 20 of 1,612,380 alleles (0.0012%); highest among the groups gnomAD compares: Admixed American, 0.022%; no homozygotes.

Submissions (2):

CeGaT Center for Human Genetics Tuebingen
Classification: Likely benign. Last evaluated: 2026-02-01. Review status: criteria provided, single submitter. Criteria: CeGaT Center For Human Genetics Tuebingen Variant Classification Criteria Version 2. Collection method: clinical testing. Allele origin: germline. Affected: yes. Observed: 1 variant allele.
Comment: CEP120: BP4, BP7

Labcorp Genetics (formerly Invitae), Labcorp
Classification: Likely benign for Short-rib thoracic dysplasia 13 with or without polydactyly. Last evaluated: 2025-03-31. Review status: criteria provided, single submitter. Criteria: Invitae Variant Classification Sherloc (09022015). Collection method: clinical testing. Allele origin: germline.